The following is an entry in ClinVar:

ClinVar aggregate classification (germline): Uncertain significance (1 of 4 stars; one submission).

Allele frequency attached by ClinVar (database versions not stated): gnomAD exomes below 0.00001.
gnomAD v4.1: 3 of 1,608,930 alleles (0.00019%); highest among the groups gnomAD compares: Non-Finnish European, 0.00025%; no homozygotes.

Submission:

Women's Health and Genetics/Laboratory Corporation of America, LabCorp
Classification: Uncertain significance. Last evaluated: 2023-12-26. Review status: criteria provided, single submitter. Criteria: LabCorp Variant Classification Summary - May 2015. Collection method: clinical testing. Allele origin: germline.
Comment: Variant summary: SLC12A5 c.349-6T>G alters a non-conserved nucleotide located close to a canonical splice site and therefore could affect mRNA splicing, leading to a significantly altered protein sequence. Several computational tools predict a significant impact on normal splicing: One predict the variant abolishes a 3' acceptor site. Two predict the variant weakens a 3' acceptor site. One predict the variant no significant impact on splicing. However, these predictions have yet to be confirmed by functional studies. The variant was absent in 247128 control chromosomes. The available data on variant occurrences in the general population are insufficient to allow any conclusion about variant significance. To our knowledge, no occurrence of c.349-6T>G in individuals affected with Developmental And Epileptic Encephalopathy, 34 and no experimental evidence demonstrating its impact on protein function have been reported. No submitters have cited clinical-significance assessments for this variant to ClinVar after 2014. Based on the evidence outlined above, the variant was classified as uncertain significance.

NM_020708.5(SLC12A5):c.280-6T>G

Gene: SLC12A5 (solute carrier family 12 member 5; plus strand). Cytogenetic location: 20q13.12.
Variant type: single nucleotide variant.
Coding change: c.280-6T>G on transcript NM_020708.5 (MANE Select); 6 bases into the intron before coding-DNA position 280, T replaced by G.
Molecular consequence: intron variant.
Genome position (GRCh38, 1-based): chr20:46,035,771, T>G. VCF-style: chr20-46035771-T-G. GRCh37 (hg19) VCF-style: chr20-44664410-T-G.
Other names: c.349-6T>G (NM_001134771.2).
Identifiers: ClinVar variation 2691404 (VCV002691404.1), dbSNP rs2515632993, ClinGen allele CA2577414054.